The following is an entry in ClinVar:

NM_016573.4(GMIP):c.2307G>A (p.Pro769=)

Gene: GMIP (GEM interacting protein; minus strand). Cytogenetic location: 19p13.11.
Variant type: single nucleotide variant.
Coding change: c.2307G>A on transcript NM_016573.4 (MANE Select); coding-DNA position 2307, G replaced by A.
Protein change: p.Pro769=; no amino-acid change (proline 769 retained).
Molecular consequence: synonymous variant.
Genome position (GRCh38, 1-based): chr19:19,633,968, C>T on the plus strand (G>A on the coding strand, the complement: GMIP is on the minus strand). VCF-style: chr19-19633968-C-T. GRCh37 (hg19) VCF-style: chr19-19744777-C-T.
Other names: c.2220G>A, p.Pro740= (NM_001288998.2); c.2229G>A, p.Pro743= (NM_001288999.2).
Identifiers: ClinVar variation 3905091 (VCV003905091.10).

ClinVar aggregate classification (germline): Likely benign (1 of 4 stars; one submission).

gnomAD v4.1: 844 of 1,475,614 alleles (0.057%); highest among the groups gnomAD compares: South Asian, 0.91%; 13 homozygotes.

Submission:

CeGaT Center for Human Genetics Tuebingen
Classification: Likely benign. Last evaluated: 2025-06-01. Review status: criteria provided, single submitter. Criteria: CeGaT Center For Human Genetics Tuebingen Variant Classification Criteria Version 2. Collection method: clinical testing. Allele origin: germline. Affected: yes. Observed: 1 variant allele.
Comment: GMIP: BP4, BP7, BS2